The following is an entry in ClinVar:

NM_000090.4(COL3A1):c.3365G>T (p.Gly1122Val)

Gene: COL3A1 (collagen type III alpha 1 chain; plus strand). Cytogenetic location: 2q32.2.
Variant type: single nucleotide variant.
Coding change: c.3365G>T on transcript NM_000090.4 (MANE Select); coding-DNA position 3365, G replaced by T.
Protein change: p.Gly1122Val; replaces glycine 1122 with valine.
Molecular consequence: missense variant.
Genome position (GRCh38, 1-based): chr2:189,007,886, G>T. VCF-style: chr2-189007886-G-T. GRCh37 (hg19) VCF-style: chr2-189872612-G-T.
Other names: short protein forms G1122V.
Identifiers: ClinVar variation 3728532 (VCV003728532.2).

ClinVar aggregate classification (germline): Likely pathogenic (1 of 4 stars; one submission).

Conditions:
Ehlers-Danlos syndrome, type 4 (EDSVASC). Also called: Ehlers-Danlos syndrome vascular type; Ehlers Danlos syndrome, ecchymotic type; Ehlers Danlos syndrome, arterial type; Ehlers Danlos syndrome, Sack-Barabas type; Ehlers-Danlos Syndrome Type IV. Identifiers: Orphanet 286, MedGen C0268338, MONDO:0017314, OMIM 130050.

Submission:

Labcorp Genetics (formerly Invitae), Labcorp
Classification: Likely pathogenic for Ehlers-Danlos syndrome, type 4. Last evaluated: 2025-11-05. Review status: criteria provided, single submitter. Criteria: Invitae Variant Classification Sherloc (09022015). Collection method: clinical testing. Allele origin: germline.
Comment: This sequence change replaces glycine, which is neutral and non-polar, with valine, which is neutral and non-polar, at codon 1122 of the COL3A1 protein (p.Gly1122Val). This variant is not present in population databases (gnomAD no frequency). This variant has not been reported in the literature in individuals affected with COL3A1-related conditions. ClinVar contains an entry for this variant (Variation ID: 3728532). This variant disrupts the triple helix domain of COL3A1. Glycine residues within the Gly-Xaa-Yaa repeats of the triple helix domain are required for the structure and stability of fibrillar collagens (PMID: 7695699, 8218237, 19344236). In COL3A1, variants that affect these glycine residues are significantly enriched in individuals with disease (PMID: 24922459, 25758994) compared to the general population (ExAC). In summary, the currently available evidence indicates that the variant is pathogenic, but additional data are needed to prove that conclusively. Therefore, this variant has been classified as Likely Pathogenic.

Literature cited by the submitters: PubMed 7695699; PubMed 8218237; PubMed 19344236; PubMed 24922459; PubMed 25758994.